The following is an entry in ClinVar:

NM_000057.4(BLM):c.440C>G (p.Ser147Cys)

Gene: BLM (BLM RecQ like helicase; plus strand). Cytogenetic location: 15q26.1.
Variant type: single nucleotide variant.
Coding change: c.440C>G on transcript NM_000057.4 (MANE Select); coding-DNA position 440, C replaced by G.
Protein change: p.Ser147Cys; replaces serine 147 with cysteine.
Molecular consequence: missense variant. On other transcripts: 5 prime UTR variant (1).
Genome position (GRCh38, 1-based): chr15:90,749,708, C>G. VCF-style: chr15-90749708-C-G. GRCh37 (hg19) VCF-style: chr15-91292938-C-G.
Other names: c.440C>G, p.Ser147Cys (NM_001287246.2, NM_001287247.2); c.-852C>G (NM_001287248.2); short protein forms S147C.
Identifiers: ClinVar variation 4779523 (VCV004779523.1).

ClinVar aggregate classification (germline): Uncertain significance (1 of 4 stars; one submission).

Conditions:
Bloom syndrome (BLM). Also called: Bloom-Torre-Machacek syndrome. Identifiers: Orphanet 125, MedGen C0005859, MONDO:0008876, OMIM 210900.

Submission:

Labcorp Genetics (formerly Invitae), Labcorp
Classification: Uncertain significance for Bloom syndrome. Last evaluated: 2025-07-08. Review status: criteria provided, single submitter. Criteria: Invitae Variant Classification Sherloc (09022015). Collection method: clinical testing. Allele origin: germline.
Comment: This sequence change replaces serine, which is neutral and polar, with cysteine, which is neutral and slightly polar, at codon 147 of the BLM protein (p.Ser147Cys). This variant is not present in population databases (gnomAD no frequency). This variant has not been reported in the literature in individuals affected with BLM-related conditions. An algorithm developed to predict the effect of missense changes on protein structure and function (PolyPhen-2) suggests that this variant is likely to be disruptive. In summary, the available evidence is currently insufficient to determine the role of this variant in disease. Therefore, it has been classified as a Variant of Uncertain Significance.